The following is an entry in ClinVar:

ClinVar aggregate classification (germline): Uncertain significance. Review status: criteria provided, single submitter (1 of 4 stars). 2 submissions from 2 submitters: Uncertain significance (1). 1 of the submissions does not count toward it. Last evaluated 2021-09-01.

Conditions:
Duchenne muscular dystrophy (DMD). Also called: Duchenne Muscular Dystrophy (DMD); MUSCULAR DYSTROPHY, PSEUDOHYPERTROPHIC PROGRESSIVE, DUCHENNE TYPE. Identifiers: Orphanet 98896, MedGen C0013264, MONDO:0010679, OMIM 310200.
Dystrophin deficiency.
Becker muscular dystrophy (BMD). Also called: MUSCULAR DYSTROPHY, PSEUDOHYPERTROPHIC PROGRESSIVE, BECKER TYPE; Becker Muscular Dystrophy (BMD). Identifiers: Orphanet 98895, MedGen C0917713, MONDO:0010311, OMIM 300376.
Cardiomyopathy (CMYO). Also called: Cardiomyopathies. Identifiers: Orphanet 167848, MedGen C0878544, MONDO:0004994, HP:0001638. Inheritance: Various modes of inheritance.

gnomAD v4.1: 1 of 1,211,780 alleles (0.000083%); highest among the groups gnomAD compares: East Asian, 0.003%; no homozygotes.

Submissions (2):

Labcorp Genetics (formerly Invitae), Labcorp
Classification: Uncertain significance for Duchenne muscular dystrophy. Last evaluated: 2021-09-01. Review status: criteria provided, single submitter. Criteria: Invitae Variant Classification Sherloc (09022015). Collection method: clinical testing. Allele origin: germline.
Comment: This sequence change replaces aspartic acid with glutamic acid at codon 3146 of the DMD protein (p.Asp3146Glu). The aspartic acid residue is highly conserved and there is a small physicochemical difference between aspartic acid and glutamic acid. This variant is not present in population databases (ExAC no frequency). This variant has not been reported in the literature in individuals affected with DMD-related conditions. Algorithms developed to predict the effect of missense changes on protein structure and function are either unavailable or do not agree on the potential impact of this missense change (SIFT: "Deleterious"; PolyPhen-2: "Benign"; Align-GVGD: "Class C35"). In summary, the available evidence is currently insufficient to determine the role of this variant in disease. Therefore, it has been classified as a Variant of Uncertain Significance.

Natera, Inc.
Classification: Uncertain significance for Becker muscular dystrophy; Cardiomyopathy; Duchenne muscular dystrophy; Dystrophin deficiency. Last evaluated: 2018-06-02. Review status: no assertion criteria provided. Collection method: clinical testing. Allele origin: germline. Not counted in ClinVar's aggregate classification.

NM_004006.3(DMD):c.9438T>G (p.Asp3146Glu)

Gene: DMD (dystrophin; minus strand). Cytogenetic location: Xp21.2.
Variant type: single nucleotide variant.
Coding change: c.9438T>G on transcript NM_004006.3 (MANE Select); coding-DNA position 9438, T replaced by G.
Protein change: p.Asp3146Glu; replaces aspartic acid 3146 with glutamic acid.
Molecular consequence: missense variant.
Genome position (GRCh38, 1-based): chrX:31,209,623, A>C on the plus strand (T>G on the coding strand, the complement: DMD is on the minus strand). VCF-style: chrX-31209623-A-C. GRCh37 (hg19) VCF-style: chrX-31227740-A-C.
Other names: c.9414T>G, p.Asp3138Glu (NM_000109.4); c.9426T>G, p.Asp3142Glu (NM_004009.3); c.9069T>G, p.Asp3023Glu (NM_004010.3); c.5415T>G, p.Asp1805Glu (NM_004011.4); c.5406T>G, p.Asp1802Glu (NM_004012.4); c.2058T>G, p.Asp686Glu (NM_004013.3, NM_004020.4, NM_004021.3 and 2 more transcripts); c.1251T>G, p.Asp417Glu (NM_004014.3); c.234T>G, p.Asp78Glu (NM_004015.3, NM_004016.3, NM_004017.3 and 2 more transcripts); short protein forms D1802E, D3138E, D78E, D3146E, D3023E, D686E, D1805E, D3142E.
Identifiers: ClinVar variation 861531 (VCV000861531.4), dbSNP rs1602729216, ClinGen allele CA412649998.